The following is an entry in ClinVar:

ClinVar aggregate classification (germline): Uncertain significance (1 of 4 stars; one submission).

gnomAD v4.1: 51 of 1,613,876 alleles (0.0032%); highest among the groups gnomAD compares: African/African-American, 0.057%; no homozygotes.

Submission:

Ambry Genetics
Classification: Uncertain significance. Last evaluated: 2024-10-04. Review status: criteria provided, single submitter. Criteria: Ambry Variant Classification Scheme 2023. Collection method: clinical testing. Allele origin: germline.
Comment: The p.T86S variant (also known as c.256A>T), located in coding exon 3 of the RAD51B gene, results from an A to T substitution at nucleotide position 256. The threonine at codon 86 is replaced by serine, an amino acid with similar properties. This amino acid position is conserved. In addition, this alteration is predicted to be tolerated by in silico analysis. Based on the available evidence, the clinical significance of this variant remains unclear.

NM_133510.4(RAD51B):c.256A>T (p.Thr86Ser)

Gene: RAD51B (RAD51 paralog B; plus strand). Cytogenetic location: 14q24.1.
Variant type: single nucleotide variant.
Coding change: c.256A>T on transcript NM_133510.4 (MANE Select); coding-DNA position 256, A replaced by T.
Protein change: p.Thr86Ser; replaces threonine 86 with serine.
Molecular consequence: missense variant. On other transcripts: 5 prime UTR variant (1).
Genome position (GRCh38, 1-based): chr14:67,835,137, A>T. VCF-style: chr14-67835137-A-T. GRCh37 (hg19) VCF-style: chr14-68301854-A-T.
Other names: c.256A>T, p.Thr86Ser (NM_001321809.2, NM_001321810.2, NM_001321812.1 and 6 more transcripts); c.142A>T, p.Thr48Ser (NM_001321815.1); c.-200A>T (NM_001321817.2); short protein forms T48S, T86S.
Identifiers: ClinVar variation 3312376 (VCV003312376.2).